The following is an entry in ClinVar:

NM_002299.4(LCT):c.3947G>C (p.Trp1316Ser)

Gene: LCT (lactase; minus strand). Cytogenetic location: 2q21.3.
Variant type: single nucleotide variant.
Coding change: c.3947G>C on transcript NM_002299.4 (MANE Select); coding-DNA position 3947, G replaced by C.
Protein change: p.Trp1316Ser; replaces tryptophan 1316 with serine.
Molecular consequence: missense variant.
Genome position (GRCh38, 1-based): chr2:135,807,354, C>G on the plus strand (G>C on the coding strand, the complement: LCT is on the minus strand). VCF-style: chr2-135807354-C-G. GRCh37 (hg19) VCF-style: chr2-136564924-C-G.
Other names: short protein forms W1316S.
Identifiers: ClinVar variation 1480641 (VCV001480641.6), dbSNP rs199709300, ClinGen allele CA1887940.

ClinVar aggregate classification (germline): Conflicting classifications of pathogenicity. Review status: criteria provided, conflicting classifications (1 of 4 stars). 2 submissions from 2 submitters: Uncertain significance (1); Likely benign (1). Last evaluated 2024-09-20.

Conditions:
Congenital lactase deficiency. Also called: ALACTASIA, CONGENITAL; DISACCHARIDE INTOLERANCE II. Identifiers: Orphanet 53690, MedGen C0268179, MONDO:0009115, OMIM 223000.

Allele frequency attached by ClinVar (database versions not stated): gnomAD exomes 0.00004 and 0.00012; gnomAD 0.00006; ExAC 0.00012; TOPMed 0.00012; 1000 Genomes Project 30x 0.00016; 1000 Genomes Project 0.00020.
gnomAD v4.1: 72 of 1,614,116 alleles (0.0045%); highest among the groups gnomAD compares: East Asian, 0.12%; no homozygotes.

Submissions (2):

3billion
Classification: Likely benign for Congenital lactase deficiency. Last evaluated: 2024-09-20. Review status: criteria provided, single submitter. Criteria: ACMG Guidelines, 2015. Collection method: clinical testing. Allele origin: germline. Affected: no.
Comment: The homozygous variant was found in patients diagnosed with another variant in a different gene, with no symptoms related to the gene containing the homozygous variant.

Labcorp Genetics (formerly Invitae), Labcorp
Classification: Uncertain significance. Last evaluated: 2022-10-13. Review status: criteria provided, single submitter. Criteria: Invitae Variant Classification Sherloc (09022015). Collection method: clinical testing. Allele origin: germline.
Comment: This sequence change replaces tryptophan, which is neutral and slightly polar, with serine, which is neutral and polar, at codon 1316 of the LCT protein (p.Trp1316Ser). This variant is present in population databases (rs199709300, gnomAD 0.2%). This variant has not been reported in the literature in individuals affected with LCT-related conditions. ClinVar contains an entry for this variant (Variation ID: 1480641). Advanced modeling of protein sequence and biophysical properties (such as structural, functional, and spatial information, amino acid conservation, physicochemical variation, residue mobility, and thermodynamic stability) performed at Invitae indicates that this missense variant is expected to disrupt LCT protein function. In summary, the available evidence is currently insufficient to determine the role of this variant in disease. Therefore, it has been classified as a Variant of Uncertain Significance.